The following is an entry in ClinVar:

ClinVar aggregate classification (germline): Benign (1 of 4 stars; one submission).

Allele frequency attached by ClinVar (database versions not stated): ESP Exome Variant Server 0.00177; gnomAD 0.00218; TOPMed 0.00228; 1000 Genomes Project 30x 0.00265; 1000 Genomes Project 0.00300; gnomAD exomes 0.00303; ExAC 0.00451.
gnomAD v4.1: 4,780 of 1,613,242 alleles (0.3%); highest among the groups gnomAD compares: South Asian, 1.6%; 41 homozygotes.

Submission:

CeGaT Center for Human Genetics Tuebingen
Classification: Benign. Last evaluated: 2023-01-01. Review status: criteria provided, single submitter. Criteria: CeGaT Center For Human Genetics Tuebingen Variant Classification Criteria Version 2. Collection method: clinical testing. Allele origin: germline. Affected: yes. Observed: 2 variant alleles.
Comment: GOLM1: BP4, BS1, BS2

NM_016548.4(GOLM1):c.399G>C (p.Arg133Ser)

Gene: GOLM1 (golgi membrane protein 1; minus strand). Cytogenetic location: 9q21.33.
Variant type: single nucleotide variant.
Coding change: c.399G>C on transcript NM_016548.4 (MANE Select); coding-DNA position 399, G replaced by C.
Protein change: p.Arg133Ser; replaces arginine 133 with serine.
Molecular consequence: missense variant.
Genome position (GRCh38, 1-based): chr9:86,046,538, C>G on the plus strand (G>C on the coding strand, the complement: GOLM1 is on the minus strand). VCF-style: chr9-86046538-C-G. GRCh37 (hg19) VCF-style: chr9-88661453-C-G.
Other names: c.399G>C, p.Arg133Ser (NM_177937.3); short protein forms R133S.
Identifiers: ClinVar variation 2659288 (VCV002659288.24), dbSNP rs140984957, ClinGen allele CA5107933.
Genomic context (GRCh38, chr9:86,046,538, plus strand): 5'-GGAGAACTTCCTCTCCAGGTTGGTCTGGTTCTTCTGAAACTGGAGGACATCCTGCTGCAG[C>G]CTGCCGTAATTCCTCTGCAGGGTCTTTAACTGGTCTACACCAAGGGGACAAGGAATTGCA-3'
Protein context (NP_057632.2, residues 123-143): QLKTLQRNYG[Arg133Ser]LQQDVLQFQK